The following is an entry in ClinVar:

ClinVar aggregate classification (germline): Likely pathogenic (1 of 4 stars; one submission).

Submission:

GeneDx
Classification: Likely pathogenic. Last evaluated: 2018-04-12. Review status: criteria provided, single submitter. Criteria: GeneDx Variant Classification (06012015). Collection method: clinical testing. Allele origin: germline. Affected: yes.
Comment: The c.74054delA likely pathogenic variant in the TTN gene has not been published as pathogenic or benign to our knowledge. c.74054delA causes a shift in reading frame starting at codon lysine 24685, changing it to a serine, and creating a premature stop codon at position 17 of the new reading frame, denoted p.Lys24685SerfsX17. This variant is expected to result in either an abnormal, truncated protein product or loss of protein from this allele through nonsense-mediated mRNA decay. Other truncating TTN variants have been reported in approximately 3% of control alleles (Herman et al., 2012). However, c.74054delA is located in the A-band region of titin, where the majority of truncating pathogenic variants associated with DCM have been reported (Herman et al., 2012). Moreover, the c.74054delA variant has not been observed in large population cohorts (Lek et al., 2016).In summary, c.74054delA in the TTN gene is interpreted as a likely pathogenic variant.

NM_001267550.2(TTN):c.78977del (p.Lys26326fs)

Genes: TTN (titin; minus strand), TTN-AS1 (TTN antisense RNA 1; plus strand). Cytogenetic location: 2q31.2.
Variant type: Deletion.
Coding change: c.78977del on transcript NM_001267550.2 (MANE Select); coding-DNA position 78977, one base deleted (A; older notation c.78977delA).
Protein change: p.Lys26326fs; shifts the reading frame from lysine 26326.
Molecular consequence: frameshift variant.
Genome position (GRCh38, 1-based): chr2:178,567,155, T deleted on the plus strand (A on the coding strand, the reverse complement: TTN is on the minus strand); the first of 4 consecutive T bases (chr2:178,567,155-178,567,158); deleting any one gives the same sequence. VCF-style (leftmost placement, unchanged base first): chr2-178567154-CT-C. GRCh37 (hg19) VCF-style: chr2-179431881-CT-C.
Other names: c.74054del, p.Lys24685fs (NM_001256850.1); c.51782del, p.Lys17261fs (NM_003319.4); c.71273del, p.Lys23758fs (NM_133378.4); c.52157del, p.Lys17386fs (NM_133432.3); c.52358del, p.Lys17453fs (NM_133437.4); c.74054delA (NM_001256850.1); short protein forms K17453fs, K24685fs, K23758fs, K17261fs, K17386fs, K26326fs.
Identifiers: ClinVar variation 524084 (VCV000524084.2), dbSNP rs1553592771, ClinGen allele CA658796026.